The following is an entry in ClinVar:

ClinVar aggregate classification (germline): Uncertain significance (1 of 4 stars; one submission).

Conditions:
Saldino-Mainzer syndrome (SRTD9). Also called: short-rib thoracic dysplasia 9 with or without polydactyly; SHORT-RIB THORACIC DYSPLASIA 9 WITHOUT POLYDACTYLY; CONORENAL SYNDROME; Renal dysplasia, retinal pigmentary dystrophy, cerebellar ataxia and skeletal dysplasia. Identifiers: Orphanet 140969, MedGen C1849437, MONDO:0009964, OMIM 266920.

Submission:

Labcorp Genetics (formerly Invitae), Labcorp
Classification: Uncertain significance for Saldino-Mainzer syndrome. Last evaluated: 2022-07-19. Review status: criteria provided, single submitter. Criteria: Invitae Variant Classification Sherloc (09022015). Collection method: clinical testing. Allele origin: germline.
Comment: In summary, the available evidence is currently insufficient to determine the role of this variant in disease. Therefore, it has been classified as a Variant of Uncertain Significance. Algorithms developed to predict the effect of missense changes on protein structure and function are either unavailable or do not agree on the potential impact of this missense change (SIFT: "Deleterious"; PolyPhen-2: "Benign"; Align-GVGD: "Class C0"). ClinVar contains an entry for this variant (Variation ID: 849058). This variant has not been reported in the literature in individuals affected with IFT140-related conditions. This variant is not present in population databases (gnomAD no frequency). This sequence change replaces alanine, which is neutral and non-polar, with valine, which is neutral and non-polar, at codon 14 of the IFT140 protein (p.Ala14Val).

NM_014714.4(IFT140):c.41C>T (p.Ala14Val)

Genes: IFT140 (intraflagellar transport 140; minus strand), LOC105371046 (uncharacterized LOC105371046; plus strand). Cytogenetic location: 16p13.3.
Variant type: single nucleotide variant.
Coding change: c.41C>T on transcript NM_014714.4 (MANE Select); coding-DNA position 41, C replaced by T.
Protein change: p.Ala14Val; replaces alanine 14 with valine.
Molecular consequence: missense variant.
Genome position (GRCh38, 1-based): chr16:1,607,226, G>A on the plus strand (C>T on the coding strand, the complement: IFT140 is on the minus strand). VCF-style: chr16-1607226-G-A. GRCh37 (hg19) VCF-style: chr16-1657227-G-A.
Other names: short protein forms A14V.
Identifiers: ClinVar variation 849058 (VCV000849058.9), dbSNP rs2036120849, ClinGen allele CA394194810.